The following is an entry in ClinVar:

NM_001144967.3(NEDD4L):c.2547+1G>A

Gene: NEDD4L (NEDD4 like E3 ubiquitin protein ligase; plus strand). Cytogenetic location: 18q21.31.
Variant type: single nucleotide variant.
Coding change: c.2547+1G>A on transcript NM_001144967.3 (MANE Select); the canonical splice donor site of the intron after coding-DNA position 2547, G replaced by A.
Molecular consequence: splice donor variant.
Genome position (GRCh38, 1-based): chr18:58,387,499, G>A. VCF-style: chr18-58387499-G-A. GRCh37 (hg19) VCF-style: chr18-56054731-G-A.
Other names: c.2487+1G>A (NM_015277.6); c.2355+1G>A (NM_001243960.2); c.2184+1G>A (NM_001144964.1, NM_001144965.2, NM_001144966.3); c.2124+1G>A (NM_001144971.2, NM_001144970.3); c.2523+1G>A (NM_001144968.2); c.2463+1G>A (NM_001144969.2).
Identifiers: ClinVar variation 1493782 (VCV001493782.6), dbSNP rs2049195118, ClinGen allele CA402558005.

ClinVar aggregate classification (germline): Uncertain significance (1 of 4 stars; one submission).

Allele frequency attached by ClinVar (database versions not stated): TOPMed below 0.00001.

Submission:

Labcorp Genetics (formerly Invitae), Labcorp
Classification: Uncertain significance. Last evaluated: 2021-10-05. Review status: criteria provided, single submitter. Criteria: Invitae Variant Classification Sherloc (09022015). Collection method: clinical testing. Allele origin: germline.
Comment: Algorithms developed to predict the effect of sequence changes on RNA splicing suggest that this variant may disrupt the consensus splice site. In summary, the available evidence is currently insufficient to determine the role of this variant in disease. Therefore, it has been classified as a Variant of Uncertain Significance. This variant has not been reported in the literature in individuals affected with NEDD4L-related conditions. This variant is not present in population databases (ExAC no frequency). This sequence change affects a donor splice site in intron 26 of the NEDD4L gene. It is expected to disrupt RNA splicing. Variants that disrupt the donor or acceptor splice site typically lead to a loss of protein function (PMID: 16199547), however the current clinical and genetic evidence is not sufficient to establish whether loss-of-function variants in NEDD4L cause disease.

Literature cited by the submitters: PubMed 16199547.